The following is an entry in ClinVar:

ClinVar aggregate classification (germline): Pathogenic. Review status: criteria provided, multiple submitters, no conflicts (2 of 4 stars). 8 submissions from 8 submitters: Pathogenic (7). 1 of the submissions does not count toward it. Last evaluated 2025-09-08.

Conditions:
Complex neurodevelopmental disorder. Identifiers: Orphanet 528084, MedGen C5568766, MONDO:0100038.
Inborn genetic diseases. Identifiers: MedGen C0950123, MeSH D030342.
DYRK1A-related intellectual disability syndrome (MRD7). Also called: DYRK1A Syndrome; Intellectual developmental disorder, autosomal dominant 7. Identifiers: Orphanet 464306, MedGen C5568143, MONDO:0013578, OMIM 614104.
Microcephaly. Also called: Microcephaly (disease). Identifiers: MedGen C4551563, MONDO:0001149, HP:0000252.
Intellectual disability. Also called: Intellectual functioning disability; intellectual disabilities; Intellectual developmental disorder. Identifiers: MedGen C3714756, MeSH D008607, MONDO:0001071, HP:0001249.
Absent or delayed speech development. Identifiers: MedGen C3276611.
Deeply set eye. Also called: sunken eyes; Deep-set eyes. Identifiers: MedGen C0423224, HP:0000490.
Seizure. Also called: Seizures. Identifiers: MedGen C0036572, HP:0001250.
Feeding difficulties. Also called: Poor feeding. Identifiers: MedGen C0232466, HP:0011968.

Submissions (8):

Institute of Immunology and Genetics Kaiserslautern
Classification: Pathogenic for DYRK1A-related intellectual disability syndrome. Last evaluated: 2025-09-08. Review status: criteria provided, single submitter. Criteria: ACMG Guidelines, 2015. Collection method: clinical testing. Allele origin: de novo. Affected: yes.
Comment: ACMG Criteria: PVS1, PS2, PM2, PP5; Variant was found in heterozygous state. De novo-status was confirmed via in-house segregation analysis.

GeneDx
Classification: Pathogenic. Last evaluated: 2024-04-20. Review status: criteria provided, single submitter. Criteria: GeneDx Variant Classification Process June 2021. Collection method: clinical testing. Allele origin: germline. Affected: yes.
Comment: Not observed at significant frequency in large population cohorts (gnomAD); Nonsense variant predicted to result in protein truncation or nonsense mediated decay in a gene for which loss of function is a known mechanism of disease; This variant is associated with the following publications: (PMID: 25920557, 25363760, 28053047, 28191890, 31332282, 31981491, 28714951, 35982159, 33057194, 35982160, 37595579, 31785789, 34345024, 31440721)

Labcorp Genetics (formerly Invitae), Labcorp
Classification: Pathogenic for DYRK1A-related intellectual disability syndrome. Last evaluated: 2023-06-11. Review status: criteria provided, single submitter. Criteria: Invitae Variant Classification Sherloc (09022015). Collection method: clinical testing. Allele origin: germline.
Comment: This sequence change creates a premature translational stop signal (p.Arg437*) in the DYRK1A gene. It is expected to result in an absent or disrupted protein product. Loss-of-function variants in DYRK1A are known to be pathogenic (PMID: 25944381). This variant is not present in population databases (gnomAD no frequency). This premature translational stop signal has been observed in individual(s) with syndromic intellectual disability (PMID: 25920557, 28053047). In at least one individual the variant was observed to be de novo. ClinVar contains an entry for this variant (Variation ID: 162158). For these reasons, this variant has been classified as Pathogenic.

Ambry Genetics
Classification: Pathogenic for Inborn genetic diseases. Last evaluated: 2019-11-07. Review status: criteria provided, single submitter. Criteria: Ambry exome assertion method (8-5-2015). Collection method: clinical testing. Allele origin: germline. Affected: yes. Observed: 1 variant allele.

Baylor Genetics
Classification: Pathogenic for DYRK1A-related intellectual disability syndrome. Last evaluated: 2017-09-01. Review status: criteria provided, single submitter. Criteria: ACMG Guidelines, 2015. Collection method: clinical testing. Allele origin: de novo. Inheritance: Autosomal dominant inheritance. Affected: yes.
Comment: This nonsense mutation is categorized as deleterious according to ACMG guidelines (PMID:18414213). It was found in three unrelated probands in our laboratory, twice confirmed de novo. Patients showed intellectual disability, microcephaly, and two also dysmorphic features and seizures

Genetic Services Laboratory, University of Chicago
Classification: Pathogenic for Mental retardation, autosomal dominant 7. Last evaluated: 2015-02-19. Review status: criteria provided, single submitter. Criteria: ACMG Guidelines, 2015. Collection method: clinical testing. Allele origin: germline. Affected: yes.

Centre de Biologie Pathologie Génétique, Centre Hospitalier Universitaire de Lille
Classification: Pathogenic for DYRK1A-related intellectual disability syndrome. Review status: criteria provided, single submitter. Criteria: ACMG Guidelines, 2015. Collection method: clinical testing. Allele origin: de novo. Affected: yes.

Greenwood Genetic Center Diagnostic Laboratories, Greenwood Genetic Center
Classification: Pathogenic for Intellectual disability; Microcephaly; Feeding difficulties; Absent or delayed speech development; Seizures; Deeply set eye. Last evaluated: 2014-09-09. Review status: no assertion criteria provided. Collection method: clinical testing. Allele origin: unknown. Affected: yes. Not counted in ClinVar's aggregate classification.

Literature cited by the submitters: PubMed 25944381 (cited by Labcorp Genetics (formerly Invitae), Labcorp); PubMed 25920557 (cited by Labcorp Genetics (formerly Invitae), Labcorp and Ambry Genetics); PubMed 28053047 (cited by Labcorp Genetics (formerly Invitae), Labcorp and Ambry Genetics); PubMed 28191890 (cited by Ambry Genetics); PubMed 25326635 (cited by Baylor Genetics).

NM_001347721.2(DYRK1A):c.1282C>T (p.Arg428Ter)

Gene: DYRK1A (dual specificity tyrosine phosphorylation regulated kinase 1A; plus strand). Cytogenetic location: 21q22.13.
Variant type: single nucleotide variant.
Coding change: c.1282C>T on transcript NM_001347721.2 (MANE Select); coding-DNA position 1282, C replaced by T.
Protein change: p.Arg428Ter; replaces arginine 428 with a stop codon.
Molecular consequence: nonsense.
Genome position (GRCh38, 1-based): chr21:37,505,352, C>T. VCF-style: chr21-37505352-C-T. GRCh37 (hg19) VCF-style: chr21-38877655-C-T.
Other names: c.1282C>T, p.Arg428Ter (NM_001347722.2, NM_130436.2); c.1195C>T, p.Arg399Ter (NM_001347723.2); c.1309C>T, p.Arg437Ter (NM_001396.5, NM_101395.2, NM_130438.2); short protein forms R437*, R428*, R399*.
Identifiers: ClinVar variation 162158 (VCV000162158.26), dbSNP rs724159953, ClinGen allele CA278454.